The following is an entry in ClinVar:

ClinVar aggregate classification (germline): Uncertain significance (1 of 4 stars; one submission).

Conditions:
Werner syndrome (WRN). Identifiers: Orphanet 902, MedGen C0043119, MONDO:0010196, OMIM 277700.

Allele frequency attached by ClinVar (database versions not stated): gnomAD exomes below 0.00001 and 0.00001; TOPMed below 0.00001.
gnomAD v4.1: 3 of 1,614,180 alleles (0.00019%); highest among the groups gnomAD compares: Admixed American, 0.0033%; no homozygotes.

Submission:

Labcorp Genetics (formerly Invitae), Labcorp
Classification: Uncertain significance for Werner syndrome. Last evaluated: 2023-12-26. Review status: criteria provided, single submitter. Criteria: Invitae Variant Classification Sherloc (09022015). Collection method: clinical testing. Allele origin: germline.
Comment: This sequence change replaces asparagine, which is neutral and polar, with serine, which is neutral and polar, at codon 1049 of the WRN protein (p.Asn1049Ser). This variant is present in population databases (no rsID available, gnomAD 0.003%). This variant has not been reported in the literature in individuals affected with WRN-related conditions. ClinVar contains an entry for this variant (Variation ID: 856188). Algorithms developed to predict the effect of missense changes on protein structure and function output the following: SIFT: "Not Available"; PolyPhen-2: "Benign"; Align-GVGD: "Not Available". The serine amino acid residue is found in multiple mammalian species, which suggests that this missense change does not adversely affect protein function. In summary, the available evidence is currently insufficient to determine the role of this variant in disease. Therefore, it has been classified as a Variant of Uncertain Significance.

NM_000553.6(WRN):c.3146A>G (p.Asn1049Ser)

Gene: WRN (WRN RecQ like helicase; plus strand). Cytogenetic location: 8p12.
Variant type: single nucleotide variant.
Coding change: c.3146A>G on transcript NM_000553.6 (MANE Select); coding-DNA position 3146, A replaced by G.
Protein change: p.Asn1049Ser; replaces asparagine 1049 with serine.
Molecular consequence: missense variant.
Genome position (GRCh38, 1-based): chr8:31,141,688, A>G. VCF-style: chr8-31141688-A-G. GRCh37 (hg19) VCF-style: chr8-30999204-A-G.
Other names: short protein forms N1049S.
Identifiers: ClinVar variation 856188 (VCV000856188.6), dbSNP rs1463731424, ClinGen allele CA370922843.